The following is an entry in ClinVar:

NM_001080421.3(UNC13A):c.4164A>C (p.Lys1388Asn)

Gene: UNC13A (unc-13 homolog A; minus strand). Cytogenetic location: 19p13.11.
Variant type: single nucleotide variant.
Coding change: c.4164A>C on transcript NM_001080421.3 (MANE Select); coding-DNA position 4164, A replaced by C.
Protein change: p.Lys1388Asn; replaces lysine 1388 with asparagine.
Molecular consequence: missense variant.
Genome position (GRCh38, 1-based): chr19:17,624,862, T>G on the plus strand (A>C on the coding strand, the complement: UNC13A is on the minus strand). VCF-style: chr19-17624862-T-G. GRCh37 (hg19) VCF-style: chr19-17735671-T-G.
Other names: c.4158A>C, p.Lys1386Asn (NM_001387021.1, NM_001387023.1); c.4155A>C, p.Lys1385Asn (NM_001387022.1); short protein forms K1385N, K1386N, K1388N.
Identifiers: ClinVar variation 4281834 (VCV004281834.1).

ClinVar aggregate classification (germline): Uncertain significance (1 of 4 stars; one submission).

Submission:

GeneDx
Classification: Uncertain significance. Last evaluated: 2025-04-08. Review status: criteria provided, single submitter. Criteria: GeneDx Variant Classification Process June 2021. Collection method: clinical testing. Allele origin: germline. Affected: yes.
Comment: Not observed at significant frequency in large population cohorts (gnomAD); In silico analysis supports that this missense variant has a deleterious effect on protein structure/function; Has not been previously published as pathogenic or benign to our knowledge